The following is an entry in ClinVar:

ClinVar aggregate classification (germline): Benign. Review status: criteria provided, multiple submitters, no conflicts (2 of 4 stars). 21 submissions from 16 submitters: Benign (16). 5 of the submissions do not count toward it. Last evaluated 2026-02-04.

Conditions:
Connective tissue disorder. Also called: Connective tissue disease. Identifiers: MedGen C0009782, MONDO:0003900.
Charcot-Marie-Tooth disease. Also called: Charcot-Marie-Tooth Neuropathy; Charcot-Marie-Tooth Hereditary Neuropathy. Identifiers: Orphanet 166, MedGen C0007959, MONDO:0015626.
Scapuloperoneal spinal muscular atrophy (SPSMA). Also called: Scapuloperoneal spinal muscular atrophy, autosomal dominant; Scapuloperoneal Form of Spinal Muscular Atrophy; Scapuloperoneal Spinal Muscular Atrophy, TRPV4-Related; AMYOTROPHY, NEUROGENIC SCAPULOPERONEAL, NEW ENGLAND TYPE. Identifiers: Orphanet 431255, MedGen C0751335, MONDO:0008408, OMIM 181405.
Sodium serum level quantitative trait locus 1 (SSQTL1). Identifiers: MedGen C3150755, OMIM 613508.
Charcot-Marie-Tooth disease axonal type 2C (HMSN2C). Also called: CHARCOT-MARIE-TOOTH DISEASE, AXONAL, AUTOSOMAL DOMINANT, TYPE 2C; Charcot-Marie-Tooth Neuropathy Type 2C; Charcot-Marie-Tooth Disease Type 2, TRPV4-Related (CMT2C). Identifiers: Orphanet 99937, MedGen C1853710, MONDO:0011633, OMIM 606071.
Metatropic dysplasia (MTD). Also called: METATROPIC DWARFISM; Metatropic Dysplasia, TRPV4-Related; Metatropic dysplasia, nonlethal dominant. Identifiers: Orphanet 2635, MedGen C0265281, MONDO:0007986, OMIM 156530.
Brachyrachia (short spine dysplasia) (BCYM3). Also called: BRACHYRACHIA; Brachyolmia, TRPV4-Related; Brachyolmia Type 3; Autosomal dominant brachyolmia. Identifiers: Orphanet 93304, MedGen C0432227, MONDO:0007232, OMIM 113500.
Spondylometaphyseal dysplasia, Kozlowski type (SMDK). Also called: Spondylometaphyseal Dysplasia, TRPV4-Related (Kozlowski Type); Dysmorphism arthrogryposis skeletal maturation advanced; Jequier-Kozlowski syndrome; Skeletal dysplasia Jequier-Kozlowski type; SMD Kozlowski type. Identifiers: Orphanet 93314, MedGen C0265280, MONDO:0008477, OMIM 184252.
Neuronopathy, distal hereditary motor, autosomal dominant 8. Also called: Autosomal dominant congenital benign spinal muscular atrophy; NEURONOPATHY, DISTAL HEREDITARY MOTOR, TYPE VIII; NEUROPATHY, DISTAL HEREDITARY MOTOR, TYPE VIII; SPINAL MUSCULAR ATROPHY, CONGENITAL BENIGN, WITH CONTRACTURES. Identifiers: Orphanet 1216, MedGen C1838492, MONDO:0010839, OMIM 600175.

Allele frequency attached by ClinVar (database versions not stated): gnomAD 0.03470; ESP Exome Variant Server 0.02898; gnomAD exomes 0.03653; ExAC 0.05205; TOPMed 0.03518; 1000 Genomes Project 30x 0.04216; 1000 Genomes Project 0.04353.
gnomAD v4.1: 48,465 of 1,586,158 alleles (3.1%); highest among the groups gnomAD compares: Middle Eastern, 6.4%; 866 homozygotes.

Submissions (21):

Labcorp Genetics (formerly Invitae), Labcorp
Classification: Benign for Charcot-Marie-Tooth disease axonal type 2C. Last evaluated: 2026-02-04. Review status: criteria provided, single submitter. Criteria: Invitae Variant Classification Sherloc (09022015). Collection method: clinical testing. Allele origin: germline.

Athena Diagnostics
Classification: Benign. Last evaluated: 2025-10-24. Review status: criteria provided, single submitter. Criteria: Athena Diagnostics Criteria. Collection method: clinical testing. Allele origin: unknown.
Comment: The frequency of this variant in the general population is higher than would generally be expected for pathogenic variants in this gene.

ARUP Laboratories, Molecular Genetics and Genomics, ARUP Laboratories
Classification: Benign. Last evaluated: 2025-07-17. Review status: criteria provided, single submitter. Criteria: ARUP Molecular Germline Variant Investigation Process 2024. Collection method: clinical testing. Allele origin: germline.

Genome Diagnostics Laboratory, The Hospital for Sick Children
Classification: Benign for Connective tissue disorder. Last evaluated: 2022-04-01. Review status: criteria provided, single submitter. Criteria: ACMG Guidelines, 2015. Collection method: clinical testing. Allele origin: germline.

Illumina Laboratory Services, Illumina
Classification: Benign for Metatropic dysplasia. Last evaluated: 2017-04-27. Review status: criteria provided, single submitter. Criteria: ICSL Variant Classification Criteria 13 December 2019. Collection method: clinical testing. Allele origin: germline.
Comment: This variant was observed as part of a predisposition screen in an ostensibly healthy population. A literature search was performed for the gene, cDNA change, and amino acid change (where applicable). No publications were found based on this search. Allele frequency data from public databases was too high to be consistent with this variant causing disease. Therefore, this variant is classified as benign.

Illumina Laboratory Services, Illumina
Classification: Benign for Neuronopathy, distal hereditary motor, autosomal dominant 8. Last evaluated: 2017-04-27. Review status: criteria provided, single submitter. Criteria: ICSL Variant Classification Criteria 13 December 2019. Collection method: clinical testing. Allele origin: germline.
Comment: the same text as in the submission from Illumina Laboratory Services, Illumina above.

Illumina Laboratory Services, Illumina
Classification: Benign for Brachyrachia (short spine dysplasia). Last evaluated: 2017-04-27. Review status: criteria provided, single submitter. Criteria: ICSL Variant Classification Criteria 13 December 2019. Collection method: clinical testing. Allele origin: germline.
Comment: the same text as in the submission from Illumina Laboratory Services, Illumina above.

Illumina Laboratory Services, Illumina
Classification: Benign for Scapuloperoneal spinal muscular atrophy. Last evaluated: 2017-04-27. Review status: criteria provided, single submitter. Criteria: ICSL Variant Classification Criteria 13 December 2019. Collection method: clinical testing. Allele origin: germline.
Comment: the same text as in the submission from Illumina Laboratory Services, Illumina above.

Illumina Laboratory Services, Illumina
Classification: Benign for Spondylometaphyseal dysplasia, Kozlowski type. Last evaluated: 2017-04-27. Review status: criteria provided, single submitter. Criteria: ICSL Variant Classification Criteria 13 December 2019. Collection method: clinical testing. Allele origin: germline.
Comment: the same text as in the submission from Illumina Laboratory Services, Illumina above.

Illumina Laboratory Services, Illumina
Classification: Benign for Charcot-Marie-Tooth disease axonal type 2C. Last evaluated: 2017-04-27. Review status: criteria provided, single submitter. Criteria: ICSL Variant Classification Criteria 13 December 2019. Collection method: clinical testing. Allele origin: germline.
Comment: the same text as in the submission from Illumina Laboratory Services, Illumina above.

Eurofins Ntd Llc (ga)
Classification: Benign. Last evaluated: 2016-05-02. Review status: criteria provided, single submitter. Criteria: EGL Classification Definitions 2015. Collection method: clinical testing. Allele origin: germline. Observed: 1 variant allele, 1 heterozygote.

Mayo Clinic Laboratories, Mayo Clinic
Classification: Benign. Last evaluated: 2016-04-08. Review status: criteria provided, single submitter. Criteria: ACMG Guidelines, 2015. Collection method: clinical testing. Allele origin: germline. Observed: 136 variant alleles.

GeneDx
Classification: Benign. Last evaluated: 2014-06-05. Review status: criteria provided, single submitter. Criteria: GeneDx Variant Classification (06012015). Collection method: clinical testing. Allele origin: germline. Affected: yes.
Comment: This variant is considered likely benign or benign based on one or more of the following criteria: it is a conservative change, it occurs at a poorly conserved position in the protein, it is predicted to be benign by multiple in silico algorithms, and/or has population frequency not consistent with disease.

Breakthrough Genomics
Classification: Benign. Review status: criteria provided, single submitter. Criteria: ACMG Guidelines, 2015. Collection method: not provided. Allele origin: germline. Inheritance: Autosomal dominant inheritance. Affected: yes.

Molecular Genetics Laboratory, London Health Sciences Centre
Classification: Benign for Charcot-Marie-Tooth disease. Review status: criteria provided, single submitter. Criteria: ACMG Guidelines, 2015. Collection method: clinical testing. Allele origin: germline. Affected: yes.

PreventionGenetics, part of Exact Sciences
Classification: Benign. Review status: criteria provided, single submitter. Criteria: ACMG Guidelines, 2015. Collection method: clinical testing. Allele origin: germline.

OMIM
Classification: association for SODIUM SERUM LEVEL QUANTITATIVE TRAIT LOCUS 1. Last evaluated: 2009-08-18. Review status: no assertion criteria provided. Collection method: literature only. Allele origin: germline. Not counted in ClinVar's aggregate classification.

Clinical Genetics, Academic Medical Center
Classification: Benign. Review status: no assertion criteria provided. Collection method: clinical testing. Allele origin: germline. Affected: yes. Study: VKGL Data-share Consensus. Not counted in ClinVar's aggregate classification.

Genome Diagnostics Laboratory, University Medical Center Utrecht
Classification: Benign. Review status: no assertion criteria provided. Collection method: clinical testing. Allele origin: germline. Affected: yes. Study: VKGL Data-share Consensus. Not counted in ClinVar's aggregate classification.

Joint Genome Diagnostic Labs from Nijmegen and Maastricht, Radboudumc and MUMC+
Classification: Benign. Review status: no assertion criteria provided. Collection method: clinical testing. Allele origin: germline. Affected: yes. Study: VKGL Data-share Consensus. Not counted in ClinVar's aggregate classification.

Laboratory of Diagnostic Genome Analysis, Leiden University Medical Center (LUMC)
Classification: Likely benign. Review status: no assertion criteria provided. Collection method: clinical testing. Allele origin: germline. Affected: yes. Study: VKGL Data-share Consensus. Not counted in ClinVar's aggregate classification.

Literature cited by the submitters: PubMed 19666518 (cited by OMIM).

NM_021625.5(TRPV4):c.55C>T (p.Pro19Ser)

Gene: TRPV4 (transient receptor potential cation channel subfamily V member 4; minus strand). Cytogenetic location: 12q24.11.
Variant type: single nucleotide variant.
Coding change: c.55C>T on transcript NM_021625.5 (MANE Select); coding-DNA position 55, C replaced by T.
Protein change: p.Pro19Ser; replaces proline 19 with serine.
Molecular consequence: missense variant.
Genome position (GRCh38, 1-based): chr12:109,814,742, G>A on the plus strand (C>T on the coding strand, the complement: TRPV4 is on the minus strand). VCF-style: chr12-109814742-G-A. GRCh37 (hg19) VCF-style: chr12-110252547-G-A.
Other names: TRPV4, PRO19SER (rs3742030); p.P19S:CCC>TCC; c.55C>T, p.Pro19Ser (NM_001177428.2, NM_001177431.2, NM_001177433.2 and 1 more transcripts); short protein forms P19S.
Identifiers: ClinVar variation 5003 (VCV000005003.45), dbSNP rs3742030, ClinGen allele CA117184.